The following is an entry in ClinVar:

NM_001909.5(CTSD):c.728del (p.Gly243fs)

Gene: CTSD (cathepsin D; minus strand). Cytogenetic location: 11p15.5.
Variant type: Deletion.
Coding change: c.728del on transcript NM_001909.5 (MANE Select); coding-DNA position 728, one base deleted (G; older notation c.728delG).
Protein change: p.Gly243fs; shifts the reading frame from glycine 243.
Molecular consequence: frameshift variant.
Genome position (GRCh38, 1-based): chr11:1,755,005, C deleted on the plus strand (G on the coding strand, the reverse complement: CTSD is on the minus strand); the first of 5 consecutive C bases (chr11:1,755,005-1,755,009); deleting any one gives the same sequence. VCF-style (leftmost placement, unchanged base first): chr11-1755004-AC-A. GRCh37 (hg19) VCF-style: chr11-1776234-AC-A.
Other names: short protein forms G243fs.
Identifiers: ClinVar variation 2770025 (VCV002770025.3), dbSNP rs2493820452, ClinGen allele CA645569348.

ClinVar aggregate classification (germline): Pathogenic (1 of 4 stars; one submission).

Conditions:
Neuronal ceroid lipofuscinosis. Also called: Neuronal Ceroid Lipofuscinoses. Identifiers: Orphanet 216, Orphanet 79263, MedGen C0027877, MONDO:0016295. Disease mechanism: loss of function.

Submission:

Labcorp Genetics (formerly Invitae), Labcorp
Classification: Pathogenic for Neuronal ceroid lipofuscinosis. Last evaluated: 2023-10-18. Review status: criteria provided, single submitter. Criteria: Invitae Variant Classification Sherloc (09022015). Collection method: clinical testing. Allele origin: germline.
Comment: This sequence change creates a premature translational stop signal (p.Gly243Valfs*3) in the CTSD gene. It is expected to result in an absent or disrupted protein product. Loss-of-function variants in CTSD are known to be pathogenic (PMID: 16670177, 26059544). This variant is not present in population databases (gnomAD no frequency). This variant has not been reported in the literature in individuals affected with CTSD-related conditions. For these reasons, this variant has been classified as Pathogenic.

Literature cited by the submitters: PubMed 16670177; PubMed 26059544.